The following is an entry in ClinVar:

ClinVar aggregate classification (germline): Uncertain significance (1 of 4 stars; one submission).

Conditions:
Charcot-Marie-Tooth disease type 4. Also called: Charcot-Marie-Tooth disease, type IV; Charcot-Marie-Tooth, Type 4. Identifiers: Orphanet 64749, MedGen C4082197, MONDO:0018995.

Submission:

Labcorp Genetics (formerly Invitae), Labcorp
Classification: Uncertain significance for Charcot-Marie-Tooth disease type 4. Last evaluated: 2021-10-15. Review status: criteria provided, single submitter. Criteria: Invitae Variant Classification Sherloc (09022015). Collection method: clinical testing. Allele origin: germline.
Comment: In summary, the available evidence is currently insufficient to determine the role of this variant in disease. Therefore, it has been classified as a Variant of Uncertain Significance. Advanced modeling of protein sequence and biophysical properties (such as structural, functional, and spatial information, amino acid conservation, physicochemical variation, residue mobility, and thermodynamic stability) performed at Invitae indicates that this missense variant is not expected to disrupt SH3TC2 protein function. This variant has not been reported in the literature in individuals affected with SH3TC2-related conditions. This variant is not present in population databases (ExAC no frequency). This sequence change replaces leucine with valine at codon 170 of the SH3TC2 protein (p.Leu170Val). The leucine residue is highly conserved and there is a small physicochemical difference between leucine and valine.

NM_024577.4(SH3TC2):c.508C>G (p.Leu170Val)

Gene: SH3TC2 (SH3 domain and tetratricopeptide repeats 2; minus strand). Cytogenetic location: 5q32.
Variant type: single nucleotide variant.
Coding change: c.508C>G on transcript NM_024577.4 (MANE Select); coding-DNA position 508, C replaced by G.
Protein change: p.Leu170Val; replaces leucine 170 with valine.
Molecular consequence: missense variant.
Genome position (GRCh38, 1-based): chr5:149,042,715, G>C on the plus strand (C>G on the coding strand, the complement: SH3TC2 is on the minus strand). VCF-style: chr5-149042715-G-C. GRCh37 (hg19) VCF-style: chr5-148422278-G-C.
Other names: short protein forms L170V.
Identifiers: ClinVar variation 1438681 (VCV001438681.6), dbSNP rs2127400948, ClinGen allele CA361675453.
Genomic context (GRCh38, chr5:149,042,715, plus strand): 5'-CTGAATAAGATCCCATCTCTACCCCTATGCCACACTCACCTTCCTGTATCAGGAGTCCCA[G>C]GTATATTGTTTCCAGGTGTTTATCATCTACAGACACTTGGATCTCTGTATCCTCCACCAA-3'
Protein context (NP_078853.2, residues 160-180): VDDKHLETIY[Leu170Val]GLLIQEGHFF